The following is an entry in ClinVar:

ClinVar aggregate classification (germline): Uncertain significance. Review status: criteria provided, multiple submitters, no conflicts (2 of 4 stars). 2 submissions from 2 submitters: Uncertain significance (2). Last evaluated 2025-11-05.

Conditions:
KIDINS220-related disorder. Also called: KIDINS220-related condition.

Allele frequency attached by ClinVar (database versions not stated): ExAC 0.00003.
gnomAD v4.1: 84 of 1,613,806 alleles (0.0052%); highest among the groups gnomAD compares: Admixed American, 0.033%; no homozygotes.

Submissions (2):

PreventionGenetics, part of Exact Sciences
Classification: Uncertain significance for KIDINS220-related condition. Last evaluated: 2025-11-05. Review status: criteria provided, single submitter. Criteria: ACMG Guidelines, 2015. Collection method: clinical testing. Allele origin: germline.
Comment: The KIDINS220 c.2807C>T variant is predicted to result in the amino acid substitution p.Pro936Leu. To our knowledge, this variant has not been reported in the literature. This variant is reported in 0.028% of alleles in individuals of Latino descent in gnomAD. At this time, the clinical significance of this variant is uncertain due to the absence of conclusive functional and genetic evidence.

Labcorp Genetics (formerly Invitae), Labcorp
Classification: Uncertain significance. Last evaluated: 2025-06-10. Review status: criteria provided, single submitter. Criteria: Invitae Variant Classification Sherloc (09022015). Collection method: clinical testing. Allele origin: germline.
Comment: This sequence change replaces proline, which is neutral and non-polar, with leucine, which is neutral and non-polar, at codon 936 of the KIDINS220 protein (p.Pro936Leu). This variant is present in population databases (rs202054411, gnomAD 0.03%). This variant has not been reported in the literature in individuals affected with KIDINS220-related conditions. ClinVar contains an entry for this variant (Variation ID: 1447747). An algorithm developed to predict the effect of missense changes on protein structure and function (PolyPhen-2) suggests that this variant is likely to be disruptive. In summary, the available evidence is currently insufficient to determine the role of this variant in disease. Therefore, it has been classified as a Variant of Uncertain Significance.

NM_020738.4(KIDINS220):c.2807C>T (p.Pro936Leu)

Gene: KIDINS220 (kinase D interacting substrate 220; minus strand). Cytogenetic location: 2p25.1.
Variant type: single nucleotide variant.
Coding change: c.2807C>T on transcript NM_020738.4 (MANE Select); coding-DNA position 2807, C replaced by T.
Protein change: p.Pro936Leu; replaces proline 936 with leucine.
Molecular consequence: missense variant. On other transcripts: non-coding transcript variant (2).
Genome position (GRCh38, 1-based): chr2:8,776,789, G>A on the plus strand (C>T on the coding strand, the complement: KIDINS220 is on the minus strand). VCF-style: chr2-8776789-G-A. GRCh37 (hg19) VCF-style: chr2-8916919-G-A.
Other names: c.2807C>T (NM_020738.2); c.2810C>T, p.Pro937Leu (NM_001348729.2, NM_001348731.2, NM_001348734.2 and 3 more transcripts); c.2807C>T, p.Pro936Leu (NM_001348732.2, NM_001348735.2, NM_001348738.2 and 3 more transcripts); c.2681C>T, p.Pro894Leu (NM_001348736.2); short protein forms P937L, P894L, P936L.
Identifiers: ClinVar variation 1447747 (VCV001447747.11), dbSNP rs202054411, ClinGen allele CA1519874.